The following is an entry in ClinVar:

ClinVar aggregate classification (germline): Uncertain significance (1 of 4 stars; one submission).

Conditions:
Cardiovascular phenotype. Identifiers: MedGen CN230736.

Submission:

Ambry Genetics
Classification: Uncertain significance for Cardiovascular phenotype. Last evaluated: 2026-07-07. Review status: criteria provided, single submitter. Criteria: Ambry Variant Classification Scheme 2023. Collection method: clinical testing. Allele origin: germline.
Comment: The p.R1832S variant (also known as c.5494C>A), located in coding exon 35 of the MYH7 gene, results from a C to A substitution at nucleotide position 5494. The arginine at codon 1832 is replaced by serine, an amino acid with dissimilar properties. This amino acid position is conserved. In addition, the in silico prediction for this alteration is inconclusive. Based on the available evidence, the clinical significance of this variant remains unclear.

NM_000257.4(MYH7):c.5494C>A (p.Arg1832Ser)

Gene: MYH7 (myosin heavy chain 7; minus strand). Cytogenetic location: 14q11.2.
Variant type: single nucleotide variant.
Coding change: c.5494C>A on transcript NM_000257.4 (MANE Select); coding-DNA position 5494, C replaced by A.
Protein change: p.Arg1832Ser; replaces arginine 1832 with serine.
Molecular consequence: missense variant.
Genome position (GRCh38, 1-based): chr14:23,415,060, G>T on the plus strand (C>A on the coding strand, the complement: MYH7 is on the minus strand). VCF-style: chr14-23415060-G-T. GRCh37 (hg19) VCF-style: chr14-23884269-G-T.
Other names: c.5494C>A, p.Arg1832Ser (NM_001407004.1); short protein forms R1832S.
Identifiers: ClinVar variation 5025163 (VCV005025163.1).
Genomic context (GRCh38, chr14:23,415,060, plus strand): 5'-AGGTGAGCTCCTTGATGCGCCGCTCGCTCTTCCTCATGCCCTTCACCGACTCTGCGTTGC[G>T]CTTCTGCTCGGCCTCCAGCTCATTCTCCAGCTCCCGCACCCGCGCTTCCAGCTTCTGCAG-3'
Protein context (NP_000248.2, residues 1822-1842): LENELEAEQK[Arg1832Ser]NAESVKGMRK